The following is an entry in ClinVar:

ClinVar aggregate classification (germline): Conflicting classifications of pathogenicity. Review status: criteria provided, conflicting classifications (1 of 4 stars). 7 submissions from 7 submitters: Uncertain significance (2); Likely benign (4). 1 of the submissions does not count toward it. Last evaluated 2025-11-28.

Conditions:
PLEC-related disorder. Also called: PLEC-related condition; PLEC-related disorders.
Epidermolysis bullosa simplex with nail dystrophy (EBS5D). Identifiers: MedGen C4225309, MONDO:0014661, OMIM 616487.
Epidermolysis bullosa simplex 5B, with muscular dystrophy (EBS5B). Also called: Epidermolysis bullosa simplex with muscular dystrophy; EPIDERMOLYSIS BULLOSA SIMPLEX AND LIMB-GIRDLE MUSCULAR DYSTROPHY. Identifiers: Orphanet 257, MedGen C2931072, MONDO:0009181, OMIM 226670.
Autosomal recessive limb-girdle muscular dystrophy type 2Q (LGMDR17). Also called: MUSCULAR DYSTROPHY, LIMB-GIRDLE, AUTOSOMAL RECESSIVE 17. Identifiers: Orphanet 254361, MedGen C3150989, MONDO:0013390, OMIM 613723.
Epidermolysis bullosa simplex 5C, with pyloric atresia (EBS5C). Also called: PLEC1-Related Epidermolysis Bullosa with Pyloric Atresia; PLEC-Related Epidermolysis Bullosa with Pyloric Atresia; Epidermolysis bullosa simplex with pyloric atresia. Identifiers: Orphanet 158684, MedGen C2677349, MONDO:0012807, OMIM 612138.
Junctional epidermolysis bullosa with pyloric atresia. Also called: ITGB4-Related Epidermolysis Bullosa with Pyloric Atresia; Epidermolysis bullosa, junctional, with pyloric atresia and aplasia cutis congenita; Epidermolysis bullosa junctionalis with pyloric atresia; APLASIA CUTIS CONGENITA WITH GASTROINTESTINAL ATRESIA; CARMI SYNDROME; Junctional Epidermolysis Bullosa- Pyloric Atresia Syndrome. Identifiers: Orphanet 79403, MedGen C5676875, MONDO:0009183, OMIM 226730.
Epidermolysis bullosa simplex, Ogna type (EBS5A). Also called: EPIDERMOLYSIS BULLOSA SIMPLEX 5A, OGNA TYPE; Pidermolysis bullosa simplex 5A, Ogna type. Identifiers: Orphanet 79401, MedGen C0432317, MONDO:0007555, OMIM 131950.

Allele frequency attached by ClinVar (database versions not stated): TOPMed 0.00012; ESP Exome Variant Server 0.00017; ExAC 0.00038.
gnomAD v4.1: 130 of 1,591,256 alleles (0.0082%); highest among the groups gnomAD compares: Admixed American, 0.13%; 1 homozygote.

Submissions (7):

Labcorp Genetics (formerly Invitae), Labcorp
Classification: Likely benign for Autosomal recessive limb-girdle muscular dystrophy type 2Q; Epidermolysis bullosa simplex, Ogna type; Epidermolysis bullosa simplex with nail dystrophy; Epidermolysis bullosa simplex 5C, with pyloric atresia; Epidermolysis bullosa simplex 5B, with muscular dystrophy. Last evaluated: 2025-11-28. Review status: criteria provided, single submitter. Criteria: Invitae Variant Classification Sherloc (09022015). Collection method: clinical testing. Allele origin: germline.

Mayo Clinic Laboratories, Mayo Clinic
Classification: Likely benign. Last evaluated: 2025-04-02. Review status: criteria provided, single submitter. Criteria: ACMG Guidelines, 2015. Collection method: clinical testing. Allele origin: germline. Observed: 2 variant alleles.
Comment: BS1, BP4_moderate

Blueprint Genetics
Classification: Likely benign. Last evaluated: 2024-09-23. Review status: criteria provided, single submitter. Criteria: ACMG Guidelines, 2015. Collection method: clinical testing. Allele origin: germline.

Department of Pathology and Laboratory Medicine, Sinai Health System
Classification: Uncertain significance for Epidermolysis bullosa simplex, Ogna type; Epidermolysis bullosa simplex 5B, with muscular dystrophy; Junctional epidermolysis bullosa with pyloric atresia; Epidermolysis bullosa simplex 5C, with pyloric atresia; Autosomal recessive limb-girdle muscular dystrophy type 2Q; Epidermolysis bullosa simplex with nail dystrophy. Last evaluated: 2023-06-15. Review status: criteria provided, single submitter. Criteria: ACMG Guidelines, 2015. Collection method: research. Allele origin: germline.

Revvity Omics, Revvity
Classification: Likely benign. Last evaluated: 2023-05-24. Review status: criteria provided, single submitter. Criteria: ACMG Guidelines, 2015. Collection method: clinical testing. Allele origin: germline.

Eurofins Ntd Llc (ga)
Classification: Uncertain significance. Last evaluated: 2017-12-21. Review status: criteria provided, single submitter. Criteria: EGL Classification Definitions 2015. Collection method: clinical testing. Allele origin: germline. Observed: 3 variant alleles, 3 heterozygotes.

PreventionGenetics, part of Exact Sciences
Classification: Likely benign for PLEC-related condition. Last evaluated: 2024-08-02. Review status: no assertion criteria provided. Collection method: clinical testing. Allele origin: germline. Not counted in ClinVar's aggregate classification.
Comment: This variant is classified as likely benign based on ACMG/AMP sequence variant interpretation guidelines (Richards et al. 2015 PMID: 25741868, with internal and published modifications).

NM_201384.3(PLEC):c.11573C>T (p.Thr3858Met)

Gene: PLEC (plectin; minus strand). Cytogenetic location: 8q24.3.
Variant type: single nucleotide variant.
Coding change: c.11573C>T on transcript NM_201384.3 (MANE Select); coding-DNA position 11573, C replaced by T.
Protein change: p.Thr3858Met; replaces threonine 3858 with methionine.
Molecular consequence: missense variant.
Genome position (GRCh38, 1-based): chr8:143,918,248, G>A on the plus strand (C>T on the coding strand, the complement: PLEC is on the minus strand). VCF-style: chr8-143918248-G-A. GRCh37 (hg19) VCF-style: chr8-144992416-G-A.
Other names: c.11654C>T, p.Thr3885Met (NM_000445.5); c.11531C>T, p.Thr3844Met (NM_201378.4); c.11507C>T, p.Thr3836Met (NM_201379.3); c.11984C>T, p.Thr3995Met (NM_201380.4); c.11477C>T, p.Thr3826Met (NM_201381.3); c.11573C>T, p.Thr3858Met (NM_201382.4); c.11585C>T, p.Thr3862Met (NM_201383.3); short protein forms T3826M, T3836M, T3844M, T3858M, T3862M, T3885M, T3995M.
Identifiers: ClinVar variation 196851 (VCV000196851.26), dbSNP rs373863249, ClinGen allele CA244559.